The following is an entry in ClinVar:

NM_004329.3(BMPR1A):c.1446T>G (p.Ile482Met)

Gene: BMPR1A (bone morphogenetic protein receptor type 1A; plus strand). Cytogenetic location: 10q23.2.
Variant type: single nucleotide variant.
Coding change: c.1446T>G on transcript NM_004329.3 (MANE Select); coding-DNA position 1446, T replaced by G.
Protein change: p.Ile482Met; replaces isoleucine 482 with methionine.
Molecular consequence: missense variant. On other transcripts: non-coding transcript variant (3).
Genome position (GRCh38, 1-based): chr10:86,923,479, T>G. VCF-style: chr10-86923479-T-G. GRCh37 (hg19) VCF-style: chr10-88683236-T-G.
Other names: c.1362T>G, p.Ile454Met (NM_001406584.1, NM_001406585.1, NM_001406586.1 and 2 more transcripts); c.1104T>G, p.Ile368Met (NM_001406589.1); c.1521T>G, p.Ile507Met (NM_001406559.1); c.1494T>G, p.Ile498Met (NM_001406560.1); c.1446T>G, p.Ile482Met (NM_001406561.1, NM_001406562.1, NM_001406563.1 and 19 more transcripts); c.1440T>G, p.Ile480Met (NM_001406583.1); short protein forms I368M, I480M, I498M, I507M, I454M, I482M.
Identifiers: ClinVar variation 5033028 (VCV005033028.1).

ClinVar aggregate classification (germline): Uncertain significance (1 of 4 stars; one submission).

Conditions:
Hereditary cancer-predisposing syndrome. Also called: Neoplastic Syndromes, Hereditary; Tumor predisposition; Hereditary neoplastic syndrome; Hereditary Cancer Syndrome. Identifiers: Orphanet 140162, MedGen C0027672, MeSH D009386, MONDO:0015356.

Submission:

Ambry Genetics
Classification: Uncertain significance for Hereditary cancer-predisposing syndrome. Last evaluated: 2026-07-07. Review status: criteria provided, single submitter. Criteria: Ambry Variant Classification Scheme 2023. Collection method: clinical testing. Allele origin: germline.
Comment: The p.I482M variant (also known as c.1446T>G), located in coding exon 10 of the BMPR1A gene, results from a T to G substitution at nucleotide position 1446. The isoleucine at codon 482 is replaced by methionine, an amino acid with highly similar properties. This amino acid position is conserved. In addition, this alteration is predicted to be tolerated by in silico analysis. Based on the available evidence, the clinical significance of this variant remains unclear.